The following is an entry in ClinVar:

ClinVar aggregate classification (germline): Uncertain significance. Review status: criteria provided, multiple submitters, no conflicts (2 of 4 stars). 2 submissions from 2 submitters: Uncertain significance (2). Last evaluated 2024-06-12.

Conditions:
Epidermolysis bullosa simplex 5B, with muscular dystrophy (EBS5B). Also called: EPIDERMOLYSIS BULLOSA SIMPLEX AND LIMB-GIRDLE MUSCULAR DYSTROPHY; Epidermolysis bullosa simplex with muscular dystrophy. Identifiers: Orphanet 257, MedGen C2931072, MONDO:0009181, OMIM 226670.
Epidermolysis bullosa simplex, Ogna type (EBS5A). Also called: Pidermolysis bullosa simplex 5A, Ogna type; EPIDERMOLYSIS BULLOSA SIMPLEX 5A, OGNA TYPE. Identifiers: Orphanet 79401, MedGen C0432317, MONDO:0007555, OMIM 131950.
Autosomal recessive limb-girdle muscular dystrophy type 2Q (LGMDR17). Also called: MUSCULAR DYSTROPHY, LIMB-GIRDLE, AUTOSOMAL RECESSIVE 17. Identifiers: Orphanet 254361, MedGen C3150989, MONDO:0013390, OMIM 613723.
Epidermolysis bullosa simplex 5C, with pyloric atresia (EBS5C). Also called: Epidermolysis bullosa simplex with pyloric atresia; PLEC1-Related Epidermolysis Bullosa with Pyloric Atresia; PLEC-Related Epidermolysis Bullosa with Pyloric Atresia. Identifiers: Orphanet 158684, MedGen C2677349, MONDO:0012807, OMIM 612138.
Epidermolysis bullosa simplex with nail dystrophy (EBS5D). Identifiers: MedGen C4225309, MONDO:0014661, OMIM 616487.

Allele frequency attached by ClinVar (database versions not stated): gnomAD exomes 0.00001; TOPMed 0.00001; ExAC 0.00002; gnomAD 0.00003; 1000 Genomes Project 30x 0.00016; 1000 Genomes Project 0.00020.
gnomAD v4.1: 13 of 1,612,228 alleles (0.00081%); highest among the groups gnomAD compares: East Asian, 0.0067%; no homozygotes.

Submissions (2):

Labcorp Genetics (formerly Invitae), Labcorp
Classification: Uncertain significance for Autosomal recessive limb-girdle muscular dystrophy type 2Q; Epidermolysis bullosa simplex, Ogna type; Epidermolysis bullosa simplex with nail dystrophy; Epidermolysis bullosa simplex 5C, with pyloric atresia; Epidermolysis bullosa simplex 5B, with muscular dystrophy. Last evaluated: 2024-06-12. Review status: criteria provided, single submitter. Criteria: Invitae Variant Classification Sherloc (09022015). Collection method: clinical testing. Allele origin: germline.
Comment: This sequence change replaces arginine, which is basic and polar, with glutamine, which is neutral and polar, at codon 708 of the PLEC protein (p.Arg708Gln). This variant is present in population databases (rs561259506, gnomAD 0.007%). This variant has not been reported in the literature in individuals affected with PLEC-related conditions. ClinVar contains an entry for this variant (Variation ID: 500353). Experimental studies and prediction algorithms are not available or were not evaluated, and the functional significance of this variant is currently unknown. In summary, the available evidence is currently insufficient to determine the role of this variant in disease. Therefore, it has been classified as a Variant of Uncertain Significance.

Eurofins Ntd Llc (ga)
Classification: Uncertain significance. Last evaluated: 2017-02-06. Review status: criteria provided, single submitter. Criteria: EGL Classification Definitions 2015. Collection method: clinical testing. Allele origin: germline. Observed: 1 variant allele, 1 heterozygote.

NM_201384.3(PLEC):c.2042G>A (p.Arg681Gln)

Gene: PLEC (plectin; minus strand). Cytogenetic location: 8q24.3.
Variant type: single nucleotide variant.
Coding change: c.2042G>A on transcript NM_201384.3 (MANE Select); coding-DNA position 2042, G replaced by A.
Protein change: p.Arg681Gln; replaces arginine 681 with glutamine.
Molecular consequence: missense variant.
Genome position (GRCh38, 1-based): chr8:143,932,170, C>T on the plus strand (G>A on the coding strand, the complement: PLEC is on the minus strand). VCF-style: chr8-143932170-C-T. GRCh37 (hg19) VCF-style: chr8-145006338-C-T.
Other names: c.2123G>A, p.Arg708Gln (NM_000445.5); c.2000G>A, p.Arg667Gln (NM_201378.4); c.1976G>A, p.Arg659Gln (NM_201379.3); c.2453G>A, p.Arg818Gln (NM_201380.4); c.1946G>A, p.Arg649Gln (NM_201381.3); c.2042G>A, p.Arg681Gln (NM_201382.4); c.2054G>A, p.Arg685Gln (NM_201383.3); short protein forms R649Q, R659Q, R667Q, R681Q, R685Q, R708Q, R818Q.
Identifiers: ClinVar variation 500353 (VCV000500353.8), dbSNP rs561259506, ClinGen allele CA4927723.